The following is an entry in ClinVar:

NM_003070.5(SMARCA2):c.695A>C (p.Gln232Pro)

Gene: SMARCA2 (SWI/SNF related BAF chromatin remodeling complex subunit ATPase 2; plus strand). Cytogenetic location: 9p24.3.
Variant type: single nucleotide variant.
Coding change: c.695A>C on transcript NM_003070.5 (MANE Select); coding-DNA position 695, A replaced by C.
Protein change: p.Gln232Pro; replaces glutamine 232 with proline.
Molecular consequence: missense variant.
Genome position (GRCh38, 1-based): chr9:2,039,805, A>C. VCF-style: chr9-2039805-A-C. GRCh37 (hg19) VCF-style: chr9-2039805-A-C.
Other names: c.695A>C, p.Gln232Pro (NM_001289396.2, NM_001289397.2, NM_139045.4); short protein forms Q232P.
Identifiers: ClinVar variation 366200 (VCV000366200.41), dbSNP rs143245740, ClinGen allele CA4962948.
Genomic context (GRCh38, chr9:2,039,805, plus strand): 5'-TGCCTGGCTTGCAGCAACAACAGCAGCAGCAACAGCAGCAGCAGCAGCAGCAGCAGCAGC[A>C]GCAGCAGCAGCAACAGCAGCCGCAGCAGCAGCCGCCGCAACCACAGACGCAGCAACAACA-3'
Protein context (NP_003061.3, residues 222-242): QQQQQQQQQQ[Gln232Pro]QQQQQQPQQQ

ClinVar aggregate classification (germline): Benign/Likely benign. Review status: criteria provided, multiple submitters, no conflicts (2 of 4 stars). 7 submissions from 7 submitters: Benign (5); Likely benign (2). Last evaluated 2026-08-01.

Conditions:
Inborn genetic diseases. Identifiers: MedGen C0950123, MeSH D030342.
Nicolaides-Baraitser syndrome (NCBRS). Also called: Intellectual disability-sparse hair-brachydactyly syndrome; SMARCA2-Related Nicolaides-Baraitser Syndrome. Identifiers: Orphanet 3051, MedGen C1303073, MONDO:0011053, OMIM 601358.

Allele frequency attached by ClinVar (database versions not stated): 1000 Genomes Project 0.00040; ExAC 0.00060; gnomAD exomes 0.00070 and 0.00085; gnomAD 0.00080 and 0.00083; TOPMed 0.00113.
gnomAD v4.1: 1,372 of 1,607,546 alleles (0.085%); highest among the groups gnomAD compares: Admixed American, 0.23%; 1 homozygote.

Submissions (7):

CeGaT Center for Human Genetics Tuebingen
Classification: Likely benign. Last evaluated: 2026-08-01. Review status: criteria provided, single submitter. Criteria: CeGaT Center For Human Genetics Tuebingen Variant Classification Criteria Version 2. Collection method: clinical testing. Allele origin: germline. Affected: yes. Observed: 7 variant alleles.
Comment: SMARCA2: PP2, BP4, BS1

Blueprint Genetics
Classification: Likely benign. Last evaluated: 2024-11-11. Review status: criteria provided, single submitter. Criteria: ACMG Guidelines, 2015. Collection method: clinical testing. Allele origin: germline.

Labcorp Genetics (formerly Invitae), Labcorp
Classification: Benign. Last evaluated: 2022-07-19. Review status: criteria provided, single submitter. Criteria: Invitae Variant Classification Sherloc (09022015). Collection method: clinical testing. Allele origin: germline.

GeneDx
Classification: Benign. Last evaluated: 2019-08-30. Review status: criteria provided, single submitter. Criteria: GeneDx Variant Classification Process June 2021. Collection method: clinical testing. Allele origin: germline. Affected: yes.
Comment: This variant is associated with the following publications: (PMID: 31288860)

Ambry Genetics
Classification: Benign for Inborn genetic diseases. Last evaluated: 2018-12-01. Review status: criteria provided, single submitter. Criteria: Ambry Variant Classification Scheme 2023. Collection method: clinical testing. Allele origin: germline.

Illumina Laboratory Services, Illumina
Classification: Benign for Nicolaides-Baraitser syndrome. Last evaluated: 2018-01-13. Review status: criteria provided, single submitter. Criteria: ICSL Variant Classification Criteria 13 December 2019. Collection method: clinical testing. Allele origin: germline.
Comment: This variant was observed in the ICSL laboratory as part of a predisposition screen in an ostensibly healthy population. It had not been previously curated by ICSL or reported in the Human Gene Mutation Database (HGMD: prior to June 1st, 2018), and was therefore a candidate for classification through an automated scoring system. Utilizing variant allele frequency, disease prevalence and penetrance estimates, and inheritance mode, an automated score was calculated to assess if this variant is too frequent to cause the disease. Based on the score and internal cut-off values, a variant classified as benign is not then subjected to further curation. The score for this variant resulted in a classification of benign for this disease.

Breakthrough Genomics
Classification: Benign. Review status: criteria provided, single submitter. Criteria: ACMG Guidelines, 2015. Collection method: not provided. Allele origin: germline. Inheritance: Autosomal dominant inheritance. Affected: yes.